The following is an entry in ClinVar:

NM_001291415.2(KDM6A):c.3653G>C (p.Trp1218Ser)

Gene: KDM6A (lysine demethylase 6A; plus strand). Cytogenetic location: Xp11.3.
Variant type: single nucleotide variant.
Coding change: c.3653G>C on transcript NM_001291415.2 (MANE Select); coding-DNA position 3653, G replaced by C.
Protein change: p.Trp1218Ser; replaces tryptophan 1218 with serine.
Molecular consequence: missense variant. On other transcripts: non-coding transcript variant (1).
Genome position (GRCh38, 1-based): chrX:45,085,928, G>C. VCF-style: chrX-45085928-G-C. GRCh37 (hg19) VCF-style: chrX-44945173-G-C.
Other names: c.3518G>C, p.Trp1173Ser (NM_001291416.2, NM_001419811.1); c.3362G>C, p.Trp1121Ser (NM_001291417.2); c.3260G>C, p.Trp1087Ser (NM_001291418.2, NM_001419815.1); c.2609G>C, p.Trp870Ser (NM_001291421.2); c.3395G>C, p.Trp1132Ser (NM_001410742.1, NM_001419814.1); c.3653G>C, p.Trp1218Ser (NM_001419809.1); c.3551G>C, p.Trp1184Ser (NM_001419810.1, NM_001419813.1); c.3497G>C, p.Trp1166Ser (NM_001419812.1, NM_021140.4); short protein forms W1087S, W1121S, W1132S, W1166S, W1173S, W1184S, W1218S, W870S.
Identifiers: ClinVar variation 4530480 (VCV004530480.1).
Genomic context (GRCh38, chrX:45,085,928, plus strand): 5'-ATCAGGAAAATAACAACTTCTGTTCAGTTAACATAAATATTGGCCCAGGTGACTGTGAAT[G>C]GTTTGTTGTTCCTGAAGGTTACTGGGGTGTTCTGAATGACTTCTGTGAAAAGTAGGTTTC-3'
Protein context (NP_001278344.1, residues 1208-1228): NINIGPGDCE[Trp1218Ser]FVVPEGYWGV

ClinVar aggregate classification (somatic clinical impact): Tier II - Potential (1 of 4 stars; one submission).

Conditions:
Medulloblastoma non-WNT/non-SHH group 4. Identifiers: MedGen C4330666, MONDO:0956967.

Submission:

Institute for Genomic Medicine (IGM) Clinical Laboratory, Nationwide Children's Hospital
Classification: Tier II - Potential for Medulloblastoma non-WNT/non-SHH group 4. Assertion type: diagnostic. Clinical significance: supports diagnosis. Last evaluated: 2023-04-05. Review status: criteria provided, single submitter. Criteria: AMP/ASCO/CAP Guidelines, 2017. Collection method: clinical testing. Allele origin: somatic. Affected: yes.
Comment: Variant has Tier II (potential) clinical significance as a diagnostic inclusion criterion in medulloblastoma non-WNT/non-SHH group 4, based on the following evidence: 1) Diagnostic significance based on multiple small studies (Evidence Level C; PMIDs: 22722829, 28726821, 23175120, 22832583, 22820256).

Literature cited by the submitters: PubMed 22722829; PubMed 28726821; PubMed 23175120; PubMed 22832583; PubMed 22820256.